The following is an entry in ClinVar:

NM_014244.5(ADAMTS2):c.1775A>G (p.His592Arg)

Gene: ADAMTS2 (ADAM metallopeptidase with thrombospondin type 1 motif 2; minus strand). Cytogenetic location: 5q35.3.
Variant type: single nucleotide variant.
Coding change: c.1775A>G on transcript NM_014244.5 (MANE Select); coding-DNA position 1775, A replaced by G.
Protein change: p.His592Arg; replaces histidine 592 with arginine.
Molecular consequence: missense variant.
Genome position (GRCh38, 1-based): chr5:179,139,890, T>C on the plus strand (A>G on the coding strand, the complement: ADAMTS2 is on the minus strand). VCF-style: chr5-179139890-T-C. GRCh37 (hg19) VCF-style: chr5-178566891-T-C.
Other names: short protein forms H592R.
Identifiers: ClinVar variation 4881052 (VCV004881052.2).
Genomic context (GRCh38, chr5:179,139,890, plus strand): 5'-GGGTCTCCTGGACCCTCAGCTGCCACTCAGCAAGGCCAGGGGGACATGGGGCCAACTCAC[T>C]GTGGGTTGTCACACTGGCGGGTCCTGAACTTCACGCCCGTGCCACAGGTACGTGAGCAGG-3'
Protein context (NP_055059.2, residues 582-602): KFRTRQCDNP[His592Arg]PANGGRTCSG

ClinVar aggregate classification (germline): Uncertain significance (1 of 4 stars; one submission).

Submission:

Dasa
Classification: Uncertain significance. Last evaluated: 2024-08-20. Review status: criteria provided, single submitter. Criteria: DASA Assertion Criteria. Collection method: clinical testing. Allele origin: germline.
Comment: NM_014244.5(ADAMTS2):c.1775A>G (p.His592Arg) is a missense variant that results in the substitution of histidine with arginine. This variant is absent from population databases. Computational prediction algorithms are consistent with a benign effect. The currently available literature and clinical evidence are not sufficient to establish a definitive association between this variant and the reported condition. Therefore, this variant is classified as a variant of uncertain significance.